The following is an entry in ClinVar:

NM_005989.4(AKR1D1):c.242A>T (p.Asp81Val)

Gene: AKR1D1 (aldo-keto reductase family 1 member D1; plus strand). Cytogenetic location: 7q33.
Variant type: single nucleotide variant.
Coding change: c.242A>T on transcript NM_005989.4 (MANE Select); coding-DNA position 242, A replaced by T.
Protein change: p.Asp81Val; replaces aspartic acid 81 with valine.
Molecular consequence: missense variant.
Genome position (GRCh38, 1-based): chr7:138,088,749, A>T. VCF-style: chr7-138088749-A-T. GRCh37 (hg19) VCF-style: chr7-137773495-A-T.
Other names: c.242A>T, p.Asp81Val (NM_001190906.2, NM_001190907.2); short protein forms D81V.
Identifiers: ClinVar variation 499336 (VCV000499336.7), dbSNP rs567335712, ClinGen allele CA167077324.

ClinVar aggregate classification (germline): Conflicting classifications of pathogenicity. Review status: criteria provided, conflicting classifications (1 of 4 stars). 3 submissions from 3 submitters: Pathogenic (1); Uncertain significance (2). Last evaluated 2024-10-15.

Conditions:
Congenital bile acid synthesis defect 2 (CBAS2). Also called: CHOLESTASIS WITH DELTA(4)-3-OXOSTEROID 5-BETA-REDUCTASE DEFICIENCY. Identifiers: Orphanet 79303, MedGen C1856127, MONDO:0009339, OMIM 235555.

Allele frequency attached by ClinVar (database versions not stated): gnomAD exomes below 0.00001 and 0.00001; gnomAD 0.00007 and 0.00008; 1000 Genomes Project 0.00020; 1000 Genomes Project 30x 0.00031.
gnomAD v4.1: 30 of 1,604,586 alleles (0.0019%); highest among the groups gnomAD compares: Admixed American, 0.021%; no homozygotes.

Submissions (3):

Women's Health and Genetics/Laboratory Corporation of America, LabCorp
Classification: Pathogenic for Congenital bile acid synthesis defect 2. Last evaluated: 2024-10-15. Review status: criteria provided, single submitter. Criteria: LabCorp Variant Classification Summary - May 2015. Collection method: clinical testing. Allele origin: germline.
Comment: Variant summary: AKR1D1 c.242A>T (p.Asp81Val) results in a non-conservative amino acid change located in the NADP-dependent oxidoreductase domain (IPR023210) of the encoded protein sequence. Five of five in-silico tools predict a damaging effect of the variant on protein function. The variant allele was found at a frequency of 4.3e-06 in 232682 control chromosomes. c.242A>T has been reported in the literature in multiple homozygous individuals affected with Congenital bile acid synthesis defect 2 (Quaio_2020, Almes_2022, Gardin_2023). These data indicate that the variant is very likely to be associated with disease. To our knowledge, no experimental evidence demonstrating an impact on protein function has been reported. The following publications have been ascertained in the context of this evaluation (PMID: 35626323, 38062451, 33258288). ClinVar contains an entry for this variant (Variation ID: 499336). Based on the evidence outlined above, the variant was classified as pathogenic.

Laboratorio de Genetica e Diagnostico Molecular, Hospital Israelita Albert Einstein
Classification: Uncertain significance for Congenital bile acid synthesis defect 2. Last evaluated: 2023-08-02. Review status: criteria provided, single submitter. Criteria: ACMG Guidelines, 2015. Collection method: clinical testing. Allele origin: germline. Affected: yes.
Comment: ACMG classification criteria: PM2 moderate

Eurofins Ntd Llc (ga)
Classification: Uncertain significance. Last evaluated: 2016-12-20. Review status: criteria provided, single submitter. Criteria: EGL Classification Definitions 2015. Collection method: clinical testing. Allele origin: germline. Observed: 1 variant allele, 1 heterozygote.

Literature cited by the submitters: PubMed 33258288 (cited by Women's Health and Genetics/Laboratory Corporation of America, LabCorp); PubMed 35626323 (cited by Women's Health and Genetics/Laboratory Corporation of America, LabCorp); PubMed 38062451 (cited by Women's Health and Genetics/Laboratory Corporation of America, LabCorp).